The following is an entry in ClinVar:

NM_032387.5(WNK4):c.1666C>G (p.Pro556Ala)

Gene: WNK4 (WNK lysine deficient protein kinase 4; plus strand). Cytogenetic location: 17q21.2.
Variant type: single nucleotide variant.
Coding change: c.1666C>G on transcript NM_032387.5 (MANE Select); coding-DNA position 1666, C replaced by G.
Protein change: p.Pro556Ala; replaces proline 556 with alanine.
Molecular consequence: missense variant.
Genome position (GRCh38, 1-based): chr17:42,787,467, C>G. VCF-style: chr17-42787467-C-G. GRCh37 (hg19) VCF-style: chr17-40939485-C-G.
Other names: c.658C>G, p.Pro220Ala (NM_001321299.2); short protein forms P220A, P556A.
Identifiers: ClinVar variation 1988644 (VCV001988644.5), dbSNP rs56003090, ClinGen allele CA8584053.

ClinVar aggregate classification (germline): Uncertain significance. Review status: criteria provided, multiple submitters, no conflicts (2 of 4 stars). 2 submissions from 2 submitters: Uncertain significance (2). Last evaluated 2022-09-28.

Conditions:
Pseudohypoaldosteronism type 2B (PHA2B). Also called: Pseudohypoaldosteronism Type IIB. Identifiers: Orphanet 757, Orphanet 88939, MedGen C1840390, MONDO:0013777, OMIM 614491.

Allele frequency attached by ClinVar (database versions not stated): gnomAD 0.00005; 1000 Genomes Project 30x 0.00016.

Submissions (2):

Labcorp Genetics (formerly Invitae), Labcorp
Classification: Uncertain significance. Last evaluated: 2022-09-28. Review status: criteria provided, single submitter. Criteria: Invitae Variant Classification Sherloc (09022015). Collection method: clinical testing. Allele origin: germline.
Comment: In summary, the available evidence is currently insufficient to determine the role of this variant in disease. Therefore, it has been classified as a Variant of Uncertain Significance. Advanced modeling of protein sequence and biophysical properties (such as structural, functional, and spatial information, amino acid conservation, physicochemical variation, residue mobility, and thermodynamic stability) performed at Invitae indicates that this missense variant is not expected to disrupt WNK4 protein function. This variant has not been reported in the literature in individuals affected with WNK4-related conditions. This variant is present in population databases (rs56003090, gnomAD 0.02%). This sequence change replaces proline, which is neutral and non-polar, with alanine, which is neutral and non-polar, at codon 556 of the WNK4 protein (p.Pro556Ala).

Department of Pathology and Laboratory Medicine, Sinai Health System
Classification: Uncertain significance for Pseudohypoaldosteronism type 2B. Last evaluated: 2022-07-29. Review status: criteria provided, single submitter. Criteria: ACMG Guidelines, 2015. Collection method: research. Allele origin: germline.